The following is an entry in ClinVar:

ClinVar aggregate classification (germline): Uncertain significance (1 of 4 stars; one submission).

Submission:

Labcorp Genetics (formerly Invitae), Labcorp
Classification: Uncertain significance. Last evaluated: 2021-04-24. Review status: criteria provided, single submitter. Criteria: Invitae Variant Classification Sherloc (09022015). Collection method: clinical testing. Allele origin: germline.
Comment: This sequence change replaces valine with alanine at codon 1793 of the CDH23 protein (p.Val1793Ala). The valine residue is moderately conserved and there is a small physicochemical difference between valine and alanine. This variant is not present in population databases (ExAC no frequency). Algorithms developed to predict the effect of missense changes on protein structure and function are either unavailable or do not agree on the potential impact of this missense change (SIFT: "Deleterious"; PolyPhen-2: "Not Available"; Align-GVGD: "Class C0"). This variant has not been reported in the literature in individuals with CDH23-related conditions. In summary, the available evidence is currently insufficient to determine the role of this variant in disease. Therefore, it has been classified as a Variant of Uncertain Significance.

NM_022124.6(CDH23):c.5378T>C (p.Val1793Ala)

Gene: CDH23 (cadherin related 23; plus strand). Cytogenetic location: 10q22.1.
Variant type: single nucleotide variant.
Coding change: c.5378T>C on transcript NM_022124.6 (MANE Select); coding-DNA position 5378, T replaced by C.
Protein change: p.Val1793Ala; replaces valine 1793 with alanine.
Molecular consequence: missense variant.
Genome position (GRCh38, 1-based): chr10:71,784,296, T>C. VCF-style: chr10-71784296-T-C. GRCh37 (hg19) VCF-style: chr10-73544053-T-C.
Other names: short protein forms V1793A.
Identifiers: ClinVar variation 1345100 (VCV001345100.8), dbSNP rs2132938043, ClinGen allele CA377144386.